The following is an entry in ClinVar:

ClinVar aggregate classification (germline): Uncertain significance. Review status: criteria provided, multiple submitters, no conflicts (2 of 4 stars). 2 submissions from 2 submitters: Uncertain significance (2). Last evaluated 2024-12-11.

Conditions:
Inborn genetic diseases. Identifiers: MedGen C0950123, MeSH D030342.

Allele frequency attached by ClinVar (database versions not stated): gnomAD exomes below 0.00001; gnomAD 0.00001; 1000 Genomes Project 30x 0.00016.

Submissions (2):

Ambry Genetics
Classification: Uncertain significance for Inborn genetic diseases. Last evaluated: 2024-12-11. Review status: criteria provided, single submitter. Criteria: Ambry Variant Classification Scheme 2023. Collection method: clinical testing. Allele origin: germline.

Labcorp Genetics (formerly Invitae), Labcorp
Classification: Uncertain significance. Last evaluated: 2023-04-03. Review status: criteria provided, single submitter. Criteria: Invitae Variant Classification Sherloc (09022015). Collection method: clinical testing. Allele origin: germline.
Comment: In summary, the available evidence is currently insufficient to determine the role of this variant in disease. Therefore, it has been classified as a Variant of Uncertain Significance. Advanced modeling of protein sequence and biophysical properties (such as structural, functional, and spatial information, amino acid conservation, physicochemical variation, residue mobility, and thermodynamic stability) performed at Invitae indicates that this missense variant is not expected to disrupt COL4A1 protein function. This variant has not been reported in the literature in individuals affected with COL4A1-related conditions. This variant is not present in population databases (gnomAD no frequency). This sequence change replaces methionine, which is neutral and non-polar, with threonine, which is neutral and polar, at codon 155 of the COL4A1 protein (p.Met155Thr).

NM_001845.6(COL4A1):c.464T>C (p.Met155Thr)

Gene: COL4A1 (collagen type IV alpha 1 chain; minus strand). Cytogenetic location: 13q34.
Variant type: single nucleotide variant.
Coding change: c.464T>C on transcript NM_001845.6 (MANE Select); coding-DNA position 464, T replaced by C.
Protein change: p.Met155Thr; replaces methionine 155 with threonine.
Molecular consequence: missense variant.
Genome position (GRCh38, 1-based): chr13:110,211,651, A>G on the plus strand (T>C on the coding strand, the complement: COL4A1 is on the minus strand). VCF-style: chr13-110211651-A-G. GRCh37 (hg19) VCF-style: chr13-110863998-A-G.
Other names: c.464T>C, p.Met155Thr (NM_001303110.2); c.464T>C (NM_001845.4); short protein forms M155T.
Identifiers: ClinVar variation 2904296 (VCV002904296.4), dbSNP rs2139204342, ClinGen allele CA388726045.